The following is an entry in ClinVar:

ClinVar aggregate classification (germline): Uncertain significance (1 of 4 stars; one submission).

Conditions:
Hereditary cancer-predisposing syndrome. Also called: Neoplastic Syndromes, Hereditary; Tumor predisposition; Hereditary Cancer Syndrome; Hereditary neoplastic syndrome. Identifiers: Orphanet 140162, MedGen C0027672, MeSH D009386, MONDO:0015356.

Submission:

Ambry Genetics
Classification: Uncertain significance for Hereditary cancer-predisposing syndrome. Last evaluated: 2026-03-30. Review status: criteria provided, single submitter. Criteria: Ambry Variant Classification Scheme 2023. Collection method: clinical testing. Allele origin: germline.
Comment: The p.F364L variant (also known as c.1092C>A), located in coding exon 8 of the PTCH1 gene, results from a C to A substitution at nucleotide position 1092. The phenylalanine at codon 364 is replaced by leucine, an amino acid with highly similar properties. This amino acid position is conserved. In addition, this alteration is predicted to be deleterious by in silico analysis. Based on the available evidence, the clinical significance of this variant remains unclear.

NM_000264.5(PTCH1):c.1092C>A (p.Phe364Leu)

Gene: PTCH1 (patched 1; minus strand). Cytogenetic location: 9q22.32.
Variant type: single nucleotide variant.
Coding change: c.1092C>A on transcript NM_000264.5 (MANE Select); coding-DNA position 1092, C replaced by A.
Protein change: p.Phe364Leu; replaces phenylalanine 364 with leucine.
Molecular consequence: missense variant. On other transcripts: non-coding transcript variant (1).
Genome position (GRCh38, 1-based): chr9:95,479,123, G>T on the plus strand (C>A on the coding strand, the complement: PTCH1 is on the minus strand). VCF-style: chr9-95479123-G-T. GRCh37 (hg19) VCF-style: chr9-98241405-G-T.
Other names: c.894C>A, p.Phe298Leu (NM_001083602.3); c.1089C>A, p.Phe363Leu (NM_001083603.3); c.639C>A, p.Phe213Leu (NM_001083604.3, NM_001083605.3, NM_001083606.3 and 1 more transcripts); c.1092C>A, p.Phe364Leu (NM_001354918.2); short protein forms F213L, F298L, F363L, F364L.
Identifiers: ClinVar variation 4862652 (VCV004862652.1).